The following is an entry in ClinVar:

ClinVar aggregate classification (germline): Uncertain significance (1 of 4 stars; one submission).

Conditions:
ATP1A2-related disorder. Also called: ATP1A2-related condition; ATP1A2-RELATED DISORDERS.

Submission:

PreventionGenetics, part of Exact Sciences
Classification: Uncertain significance for ATP1A2-related condition. Last evaluated: 2026-02-19. Review status: criteria provided, single submitter. Criteria: ACMG Guidelines, 2015. Collection method: clinical testing. Allele origin: germline.
Comment: The ATP1A2 c.751A>T variant is predicted to result in the amino acid substitution p.Thr251Ser. To our knowledge, this variant has not been reported in the literature or in a large population database (gnomAD), indicating this variant is rare. At this time, the clinical significance of this variant is uncertain due to the absence of conclusive functional and genetic evidence.

NM_000702.4(ATP1A2):c.751A>T (p.Thr251Ser)

Gene: ATP1A2 (ATPase Na+/K+ transporting subunit alpha 2; plus strand). Cytogenetic location: 1q23.2.
Variant type: single nucleotide variant.
Coding change: c.751A>T on transcript NM_000702.4 (MANE Select); coding-DNA position 751, A replaced by T.
Protein change: p.Thr251Ser; replaces threonine 251 with serine.
Molecular consequence: missense variant.
Genome position (GRCh38, 1-based): chr1:160,127,554, A>T. VCF-style: chr1-160127554-A-T. GRCh37 (hg19) VCF-style: chr1-160097344-A-T.
Other names: short protein forms T251S.
Identifiers: ClinVar variation 4982620 (VCV004982620.1).